The following is an entry in ClinVar:

ClinVar aggregate classification (germline): Uncertain significance (1 of 4 stars; one submission).

Submission:

Labcorp Genetics (formerly Invitae), Labcorp
Classification: Uncertain significance. Last evaluated: 2022-07-26. Review status: criteria provided, single submitter. Criteria: Invitae Variant Classification Sherloc (09022015). Collection method: clinical testing. Allele origin: germline.
Comment: The COL18A1 gene has multiple clinically relevant transcripts. This variant occurs in alternate transcript NM_030582.4, and corresponds to NM_130445.2:c.107-12592_107-12591delinsCA in the primary transcript. This sequence change replaces alanine, which is neutral and non-polar, with threonine, which is neutral and polar, at codon 41 of the COL18A1 protein (p.Ala41Thr). Information on the frequency of this variant in the gnomAD database is not available, as this variant may be reported differently in the database. This variant has not been reported in the literature in individuals affected with COL18A1-related conditions. ClinVar contains an entry for this variant (Variation ID: 1445734). Experimental studies and prediction algorithms are not available or were not evaluated, and the functional significance of this variant is currently unknown. In summary, the available evidence is currently insufficient to determine the role of this variant in disease. Therefore, it has been classified as a Variant of Uncertain Significance.

NM_001379500.1(COL18A1):c.107-12592_107-12591inv

Gene: COL18A1 (collagen type XVIII alpha 1 chain; plus strand). Cytogenetic location: 21q22.3.
Variant type: Inversion.
Coding change: c.107-12592_107-12591inv on transcript NM_001379500.1 (MANE Select).
Molecular consequence: intron variant. On other transcripts: missense variant (2).
Genome position: GRCh38 VCF-style: chr21-45455650-TG-CA. GRCh37 (hg19) VCF-style: chr21-46875564-TG-CA.
Other names: c.120_121inv, p.Ala41Thr (NM_030582.4, NM_130444.3); short protein forms A41T.
Identifiers: ClinVar variation 1445734 (VCV001445734.4), ClinGen allele CA2573157437.
Genomic context (GRCh38, chr21:45,455,650, plus strand): 5'-TGCCCGGGCCAACCTGCTGAACCTGAACTGGCTTTGGTTCAATAATGAGGACACCAGCCA[TG>CA]CAGCTACCACGATCCCTGAGCCCCAGGGGCCCCTGCCTGTGCAGCCCACAGCAGATACCA-3'